The following is an entry in ClinVar:

NM_001367721.1(CASK):c.2222C>T (p.Thr741Ile)

Gene: CASK (calcium/calmodulin dependent serine protein kinase; minus strand). Cytogenetic location: Xp11.4.
Variant type: single nucleotide variant.
Coding change: c.2222C>T on transcript NM_001367721.1 (MANE Select); coding-DNA position 2222, C replaced by T.
Protein change: p.Thr741Ile; replaces threonine 741 with isoleucine.
Molecular consequence: missense variant.
Genome position (GRCh38, 1-based): chrX:41,534,907, G>A on the plus strand (C>T on the coding strand, the complement: CASK is on the minus strand). VCF-style: chrX-41534907-G-A. GRCh37 (hg19) VCF-style: chrX-41394160-G-A.
Other names: c.2138C>T, p.Thr713Ile (NM_001126054.3); c.2135C>T, p.Thr712Ile (NM_001126055.3); c.2204C>T, p.Thr735Ile (NM_001410745.1); c.2207C>T, p.Thr736Ile (NM_003688.4); short protein forms T712I, T713I, T735I, T736I, T741I.
Identifiers: ClinVar variation 4540360 (VCV004540360.1).

ClinVar aggregate classification (germline): Uncertain significance (1 of 4 stars; one submission).

Submission:

GeneDx
Classification: Uncertain significance. Last evaluated: 2025-06-24. Review status: criteria provided, single submitter. Criteria: GeneDx Variant Classification Process June 2021. Collection method: clinical testing. Allele origin: germline. Affected: yes.
Comment: Not observed at significant frequency in large population cohorts (gnomAD); In silico analysis supports that this missense variant has a deleterious effect on protein structure/function; Has not been previously published as pathogenic or benign to our knowledge